The following is an entry in ClinVar:

NM_000169.3(GLA):c.892_893insT (p.Asn298fs)

Genes: GLA (galactosidase alpha; minus strand), RPL36A-HNRNPH2 (RPL36A-HNRNPH2 readthrough; plus strand). Cytogenetic location: Xq22.1.
Variant type: Insertion.
Coding change: c.892_893insT on transcript NM_000169.3 (MANE Select); coding-DNA positions 892 to 893, T inserted.
Protein change: p.Asn298fs; shifts the reading frame from asparagine 298.
Molecular consequence: frameshift variant. On other transcripts: non-coding transcript variant (3), intron variant (2).
Genome position: GRCh38 VCF-style: chrX-101398476-T-TA. GRCh37 (hg19) VCF-style: chrX-100653464-T-TA.
Other names: c.1015_1016insT, p.Asn339fs (NM_001406747.1); c.892_893insT, p.Asn298fs (NM_001406748.1); c.300+3019_300+3020insA (NM_001199973.2); c.177+6654_177+6655insA (NM_001199974.2); short protein forms N298fs, N339fs.
Identifiers: ClinVar variation 4087020 (VCV004087020.2).

ClinVar aggregate classification (germline): Pathogenic (1 of 4 stars; one submission).

Conditions:
Fabry disease. Also called: ALPHA-GALACTOSIDASE A DEFICIENCY; ANDERSON-FABRY DISEASE; CERAMIDE TRIHEXOSIDASE DEFICIENCY; GLA DEFICIENCY; HEREDITARY DYSTOPIC LIPIDOSIS; Angiokeratoma corporis diffusum. Identifiers: Orphanet 324, MedGen C0002986, MONDO:0010526, OMIM 301500, HP:0001071. Disease mechanism: Fabry disease is due to inactivating mutations in the X-linked GLA gene resulting in deficiency of the enzyme Alpha Galactosidase-A., loss of function.

Submission:

Genomenon, Inc
Classification: Pathogenic for Fabry disease. Last evaluated: 2026-09-08. Review status: criteria provided, single submitter. Criteria: Genomenon Sequence Variant Interpretation Standards - Updated. Collection method: curation. Allele origin: germline. Affected: yes.
Comment: GLA p.Asn298IlefsTer2 (c.892_893insT) is a frameshift variant that is predicted to introduce a premature termination codon and result in a truncated or absent protein product. This variant has been observed in at least one proband with clinical features consistent with Fabry disease (PMID:10666480). Functional or patient cell studies have been reported (PMID:10666480). It is absent or not present at a significant frequency in gnomAD. In conclusion, we classify GLA p.Asn298IlefsTer2 (c.892_893insT) as a pathogenic variant.

Literature cited by the submitters: PubMed 10666480.